The following is an entry in ClinVar:

NM_006308.3(HSPB3):c.125T>C (p.Ile42Thr)

Gene: HSPB3 (heat shock protein family B (small) member 3; plus strand). Cytogenetic location: 5q11.2.
Variant type: single nucleotide variant.
Coding change: c.125T>C on transcript NM_006308.3 (MANE Select); coding-DNA position 125, T replaced by C.
Protein change: p.Ile42Thr; replaces isoleucine 42 with threonine.
Molecular consequence: missense variant.
Genome position (GRCh38, 1-based): chr5:54,455,914, T>C. VCF-style: chr5-54455914-T-C. GRCh37 (hg19) VCF-style: chr5-53751744-T-C.
Other names: short protein forms I42T.
Identifiers: ClinVar variation 4760086 (VCV004760086.1).

ClinVar aggregate classification (germline): Uncertain significance (1 of 4 stars; one submission).

Conditions:
Neuronopathy, distal hereditary motor, type 2C. Also called: HMN IIC; NEUROPATHY, DISTAL HEREDITARY MOTOR, AUTOSOMAL DOMINANT 4; NEURONOPATHY, DISTAL HEREDITARY MOTOR, HARDING TYPE IIC; NEUROPATHY, DISTAL HEREDITARY MOTOR, HARDING TYPE IIC. Identifiers: Orphanet 139525, MedGen C3150619, MONDO:0013243, OMIM 613376.

gnomAD v4.1: 35 of 1,613,918 alleles (0.0022%); highest among the groups gnomAD compares: Non-Finnish European, 0.0028%; no homozygotes.

Submission:

Labcorp Genetics (formerly Invitae), Labcorp
Classification: Uncertain significance for Neuronopathy, distal hereditary motor, type 2C. Last evaluated: 2025-12-16. Review status: criteria provided, single submitter. Criteria: Invitae Variant Classification Sherloc (09022015). Collection method: clinical testing. Allele origin: germline.
Comment: This sequence change replaces isoleucine, which is neutral and non-polar, with threonine, which is neutral and polar, at codon 42 of the HSPB3 protein (p.Ile42Thr). This variant is present in population databases (no rsID available, gnomAD 0.002%). This variant has not been reported in the literature in individuals affected with HSPB3-related conditions. An algorithm developed to predict the effect of missense changes on protein structure and function outputs the following: PolyPhen-2: "Benign". The threonine amino acid residue is found in multiple mammalian species, which suggests that this missense change does not adversely affect protein function. In summary, the available evidence is currently insufficient to determine the role of this variant in disease. Therefore, it has been classified as a Variant of Uncertain Significance.